The following is an entry in ClinVar:

ClinVar aggregate classification (germline): Likely pathogenic (1 of 4 stars; one submission).

Conditions:
Severe X-linked myotubular myopathy (CNMX). Also called: MYOTUBULAR MYOPATHY 1; Myotubular myopathy, X-linked; X-linked centronuclear myopathy. Identifiers: Orphanet 596, MedGen C0410203, MONDO:0010683, OMIM 310400.

Submission:

Baylor Genetics
Classification: Likely pathogenic for Severe X-linked myotubular myopathy. Last evaluated: 2020-08-08. Review status: criteria provided, single submitter. Criteria: ACMG Guidelines, 2015. Collection method: clinical testing. Allele origin: de novo. Affected: yes.
Comment: This variant was determined to be likely pathogenic according to ACMG Guidelines, 2015 [PMID:25741868].

NM_000252.3(MTM1):c.1133G>T (p.Gly378Val)

Gene: MTM1 (myotubularin 1; plus strand). Cytogenetic location: Xq28.
Variant type: single nucleotide variant.
Coding change: c.1133G>T on transcript NM_000252.3 (MANE Select); coding-DNA position 1133, G replaced by T.
Protein change: p.Gly378Val; replaces glycine 378 with valine.
Molecular consequence: missense variant.
Genome position (GRCh38, 1-based): chrX:150,657,900, G>T. VCF-style: chrX-150657900-G-T. GRCh37 (hg19) VCF-style: chrX-149826373-G-T.
Other names: c.1133G>T, p.Gly378Val (NM_001376906.1, NM_001376908.1); c.1022G>T, p.Gly341Val (NM_001376907.1); short protein forms G341V, G378V.
Identifiers: ClinVar variation 1028156 (VCV001028156.1), dbSNP rs2040150416, ClinGen allele CA415258405.
Genomic context (GRCh38, chrX:150,657,900, plus strand): 5'-TTCAAGTAGCAGACAAAGTTTCTTCAGGGAAGAGTTCAGTGCTTGTGCATTGCAGTGACG[G>T]ATGGGACAGGACTGCTCAGCTGACATCCTTGGCCATGCTGATGTTGGATAGCTTCTATAG-3'
Protein context (NP_000243.1, residues 368-388): KSSVLVHCSD[Gly378Val]WDRTAQLTSL